The following is an entry in ClinVar:

ClinVar aggregate classification (germline): Uncertain significance (1 of 4 stars; one submission).

Conditions:
Cardiovascular phenotype. Identifiers: MedGen CN230736.

Submission:

Ambry Genetics
Classification: Uncertain significance for Cardiovascular phenotype. Last evaluated: 2023-03-13. Review status: criteria provided, single submitter. Criteria: Ambry Variant Classification Scheme 2023. Collection method: clinical testing. Allele origin: germline.
Comment: The p.C1163Y variant (also known as c.3488G>A), located in coding exon 13 of the RBM20 gene, results from a G to A substitution at nucleotide position 3488. The cysteine at codon 1163 is replaced by tyrosine, an amino acid with highly dissimilar properties. This amino acid position is conserved. In addition, this alteration is predicted to be deleterious by in silico analysis. Since supporting evidence is limited at this time, the clinical significance of this alteration remains unclear.

NM_001134363.3(RBM20):c.3488G>A (p.Cys1163Tyr)

Gene: RBM20 (RNA binding motif protein 20; plus strand). Cytogenetic location: 10q25.2.
Variant type: single nucleotide variant.
Coding change: c.3488G>A on transcript NM_001134363.3 (MANE Select); coding-DNA position 3488, G replaced by A.
Protein change: p.Cys1163Tyr; replaces cysteine 1163 with tyrosine.
Molecular consequence: missense variant.
Genome position (GRCh38, 1-based): chr10:110,831,097, G>A. VCF-style: chr10-110831097-G-A. GRCh37 (hg19) VCF-style: chr10-112590855-G-A.
Other names: short protein forms C1163Y.
Identifiers: ClinVar variation 2449405 (VCV002449405.2), dbSNP rs2493514807, ClinGen allele CA378386490.